The following is an entry in ClinVar:

ClinVar aggregate classification (germline): Likely pathogenic. Review status: criteria provided, multiple submitters, no conflicts (2 of 4 stars). 2 submissions from 2 submitters: Likely pathogenic (2). Last evaluated 2023-12-24.

Conditions:
Leigh syndrome (NULS). Also called: Leigh Syndrome (mtDNA deletion); Leigh's syndrome; Leigh Disease; LEIGH SYNDROME, NUCLEAR; Leigh's necrotizing encephalopathy; Leigh's disease. Identifiers: Orphanet 506, MedGen C2931891, MONDO:0009723, OMIM 256000.

Submissions (2):

Labcorp Genetics (formerly Invitae), Labcorp
Classification: Likely pathogenic. Last evaluated: 2023-12-24. Review status: criteria provided, single submitter. Criteria: Invitae Variant Classification Sherloc (09022015). Collection method: clinical testing. Allele origin: germline.
Comment: This sequence change affects a donor splice site in intron 6 of the NDUFAF5 gene. It is expected to disrupt RNA splicing. Variants that disrupt the donor or acceptor splice site typically lead to a loss of protein function (PMID: 16199547), and loss-of-function variants in NDUFAF5 are known to be pathogenic (PMID: 26275793, 30473481, 32918965). This variant is not present in population databases (gnomAD no frequency). This variant has not been reported in the literature in individuals affected with NDUFAF5-related conditions. ClinVar contains an entry for this variant (Variation ID: 1677179). Algorithms developed to predict the effect of sequence changes on RNA splicing suggest that this variant may disrupt the consensus splice site. In summary, the currently available evidence indicates that the variant is pathogenic, but additional data are needed to prove that conclusively. Therefore, this variant has been classified as Likely Pathogenic.

Women's Health and Genetics/Laboratory Corporation of America, LabCorp
Classification: Likely pathogenic for Leigh syndrome. Last evaluated: 2022-03-22. Review status: criteria provided, single submitter. Criteria: LabCorp Variant Classification Summary - May 2015. Collection method: clinical testing. Allele origin: germline.
Comment: Variant summary: NDUFAF5 c.519+2T>G is located in a canonical splice-site and is predicted to affect mRNA splicing resulting in a significantly altered protein due to either exon skipping, shortening, or inclusion of intronic material. Several computational tools predict a significant impact on normal splicing: Three predict the variant abolishes a 5' splicing donor site. However, these predictions have yet to be confirmed by functional studies. The variant was absent in 282452 control chromosomes (gnomAD). To our knowledge, no occurrence of c.519+2T>G in individuals affected with Leigh Syndrome and no experimental evidence demonstrating its impact on protein function have been reported. No clinical diagnostic laboratories have submitted clinical-significance assessments for this variant to ClinVar after 2014. Based on the evidence outlined above, the variant was classified as likely pathogenic.

Literature cited by the submitters: PubMed 16199547 (cited by Labcorp Genetics (formerly Invitae), Labcorp); PubMed 26275793 (cited by Labcorp Genetics (formerly Invitae), Labcorp); PubMed 30473481 (cited by Labcorp Genetics (formerly Invitae), Labcorp); PubMed 32918965 (cited by Labcorp Genetics (formerly Invitae), Labcorp).

NM_024120.5(NDUFAF5):c.519+2T>G

Gene: NDUFAF5 (NADH:ubiquinone oxidoreductase complex assembly factor 5; plus strand). Cytogenetic location: 20p12.1.
Variant type: single nucleotide variant.
Coding change: c.519+2T>G on transcript NM_024120.5 (MANE Select); the canonical splice donor site of the intron after coding-DNA position 519, T replaced by G.
Molecular consequence: splice donor variant.
Genome position (GRCh38, 1-based): chr20:13,798,502, T>G. VCF-style: chr20-13798502-T-G. GRCh37 (hg19) VCF-style: chr20-13779148-T-G.
Other names: c.-43+2T>G (NM_001352407.2, NM_001352406.2); c.435+2T>G (NM_001039375.3); c.48+2T>G (NM_001352403.2); c.519+2T>G (NM_001352408.2).
Identifiers: ClinVar variation 1677179 (VCV001677179.4), dbSNP rs2147534220, ClinGen allele CA408270262.
Genomic context (GRCh38, chr20:13,798,502, plus strand): 5'-CTGTATTCTCATATTTTAGTTTGCATTGGGTGAATGACCTTCCTAGAGCACTTGAGCAGG[T>G]AAGAAAACTTATGTTCATTCAACTATCTTGTGTTATTTTCTTTATTGTTAGAAATCTACA-3'